The following is an entry in ClinVar:

NM_001999.4(FBN2):c.6020T>C (p.Leu2007Pro)

Gene: FBN2 (fibrillin 2; minus strand). Cytogenetic location: 5q23.3.
Variant type: single nucleotide variant.
Coding change: c.6020T>C on transcript NM_001999.4 (MANE Select); coding-DNA position 6020, T replaced by C.
Protein change: p.Leu2007Pro; replaces leucine 2007 with proline.
Molecular consequence: missense variant.
Genome position (GRCh38, 1-based): chr5:128,301,408, A>G on the plus strand (T>C on the coding strand, the complement: FBN2 is on the minus strand). VCF-style: chr5-128301408-A-G. GRCh37 (hg19) VCF-style: chr5-127637100-A-G.
Other names: short protein forms L2007P.
Identifiers: ClinVar variation 3372145 (VCV003372145.1).

ClinVar aggregate classification (germline): Uncertain significance (1 of 4 stars; one submission).

Submission:

GeneDx
Classification: Uncertain significance. Last evaluated: 2024-04-11. Review status: criteria provided, single submitter. Criteria: GeneDx Variant Classification Process June 2021. Collection method: clinical testing. Allele origin: germline. Affected: yes.
Comment: Not observed at significant frequency in large population cohorts (gnomAD); In silico analysis supports that this missense variant has a deleterious effect on protein structure/function; Has not been previously published as pathogenic or benign to our knowledge